The following is an entry in ClinVar:

NM_024753.5(TTC21B):c.3102-4C>G

Gene: TTC21B (tetratricopeptide repeat domain 21B; minus strand). Cytogenetic location: 2q24.3.
Variant type: single nucleotide variant.
Coding change: c.3102-4C>G on transcript NM_024753.5 (MANE Select); 4 bases into the intron before coding-DNA position 3102, C replaced by G.
Molecular consequence: intron variant.
Genome position (GRCh38, 1-based): chr2:165,890,644, G>C on the plus strand (C>G on the coding strand, the complement: TTC21B is on the minus strand). VCF-style: chr2-165890644-G-C. GRCh37 (hg19) VCF-style: chr2-166747154-G-C.
Identifiers: ClinVar variation 1346342 (VCV001346342.6), dbSNP rs750756355, ClinGen allele CA1941581.
Genomic context (GRCh38, chr2:165,890,644, plus strand): 5'-CGATCTTTCCGAGCTTTATTAAAATGTCGAAGGGCATCATTTGGTTCTCCAGTGTACCTT[G>C]TTAGATGTTTAAAAGAATTATTTATTTCAATCACTGACTACAAAATTTATATTAGTTTAT-3'

ClinVar aggregate classification (germline): Uncertain significance (1 of 4 stars; one submission).

Conditions:
Nephronophthisis. Also called: Juvenile Nephronophthisis. Identifiers: Orphanet 655, MedGen C0687120, MONDO:0019005, HP:0000090.
Jeune thoracic dystrophy. Also called: Short-rib thoracic dysplasia; Jeune syndrome; Infantile thoracic dystrophy; Thoracic pelvic phalangeal dystrophy; Jeune's syndrome; Chondroectodermal dysplasia-like syndrome. Identifiers: Orphanet 474, MedGen C0265275, MONDO:0018770.

Allele frequency attached by ClinVar (database versions not stated): gnomAD exomes below 0.00001 and 0.00002; ExAC 0.00002.
gnomAD v4.1: 8 of 1,613,016 alleles (0.0005%); highest among the groups gnomAD compares: Admixed American, 0.0067%; no homozygotes.

Submission:

Labcorp Genetics (formerly Invitae), Labcorp
Classification: Uncertain significance for Jeune thoracic dystrophy; Nephronophthisis. Last evaluated: 2022-03-09. Review status: criteria provided, single submitter. Criteria: Invitae Variant Classification Sherloc (09022015). Collection method: clinical testing. Allele origin: germline.
Comment: In summary, the available evidence is currently insufficient to determine the role of this variant in disease. Therefore, it has been classified as a Variant of Uncertain Significance. Algorithms developed to predict the effect of sequence changes on RNA splicing suggest that this variant may disrupt the consensus splice site. This variant has been observed in individual(s) with nephronophthisis (Invitae). In at least one individual the data is consistent with being in trans (on the opposite chromosome) from a pathogenic variant. This variant is present in population databases (rs750756355, gnomAD 0.006%). This sequence change falls in intron 23 of the TTC21B gene. It does not directly change the encoded amino acid sequence of the TTC21B protein.